The following is an entry in ClinVar:

ClinVar aggregate classification (germline): Pathogenic (1 of 4 stars; one submission).

Submission:

Labcorp Genetics (formerly Invitae), Labcorp
Classification: Pathogenic. Last evaluated: 2022-06-29. Review status: criteria provided, single submitter. Criteria: Invitae Variant Classification Sherloc (09022015). Collection method: clinical testing. Allele origin: germline.
Comment: This sequence change creates a premature translational stop signal (p.Val409Glyfs*11) in the LRRC56 gene. It is expected to result in an absent or disrupted protein product. Loss-of-function variants in LRRC56 are known to be pathogenic (PMID: 30388400). This variant is not present in population databases (gnomAD no frequency). This variant has not been reported in the literature in individuals affected with LRRC56-related conditions. Algorithms developed to predict the effect of sequence changes on RNA splicing suggest that this variant may create or strengthen a splice site. For these reasons, this variant has been classified as Pathogenic.

Literature cited by the submitters: PubMed 30388400.

NM_198075.4(LRRC56):c.1225dup (p.Val409fs)

Gene: LRRC56 (leucine rich repeat containing 56; plus strand). Cytogenetic location: 11p15.5.
Variant type: Duplication.
Coding change: c.1225dup on transcript NM_198075.4 (MANE Select); coding-DNA position 1225, one base duplicated (G; older notation c.1225dupG).
Protein change: p.Val409fs; shifts the reading frame from valine 409.
Molecular consequence: frameshift variant.
Genome position (GRCh38, 1-based): chr11:552,612, G duplicated. VCF-style (leftmost placement, unchanged base first): chr11-552611-T-TG. GRCh37 (hg19) VCF-style: chr11-552611-T-TG.
Other names: short protein forms V409fs.
Identifiers: ClinVar variation 2414338 (VCV002414338.4), dbSNP rs2539933089, ClinGen allele CA2580083858.